The following is an entry in ClinVar:

ClinVar aggregate classification (germline): Likely benign (1 of 4 stars; one submission).

Allele frequency attached by ClinVar (database versions not stated): gnomAD 0.00178; ExAC 0.00185; ESP Exome Variant Server 0.00185; gnomAD exomes 0.00198; TOPMed 0.00229; 1000 Genomes Project 30x 0.00234; 1000 Genomes Project 0.00260.
gnomAD v4.1: 3,263 of 1,613,482 alleles (0.2%); highest among the groups gnomAD compares: Middle Eastern, 0.35%; 7 homozygotes.

Submission:

CeGaT Center for Human Genetics Tuebingen
Classification: Likely benign. Last evaluated: 2024-03-01. Review status: criteria provided, single submitter. Criteria: CeGaT Center For Human Genetics Tuebingen Variant Classification Criteria Version 2. Collection method: clinical testing. Allele origin: germline. Affected: yes. Observed: 1 variant allele.
Comment: ZNF225: BP4, BS2

NM_013362.4(ZNF225):c.1364C>G (p.Pro455Arg)

Gene: ZNF225 (zinc finger protein 225; plus strand). Cytogenetic location: 19q13.31.
Variant type: single nucleotide variant.
Coding change: c.1364C>G on transcript NM_013362.4 (MANE Select); coding-DNA position 1364, C replaced by G.
Protein change: p.Pro455Arg; replaces proline 455 with arginine.
Molecular consequence: missense variant.
Genome position (GRCh38, 1-based): chr19:44,131,978, C>G. VCF-style: chr19-44131978-C-G. GRCh37 (hg19) VCF-style: chr19-44636131-C-G.
Other names: c.1364C>G, p.Pro455Arg (NM_001321685.2); short protein forms P455R.
Identifiers: ClinVar variation 3067260 (VCV003067260.21), dbSNP rs191376304, ClinGen allele CA9496587.